The following is an entry in ClinVar:

ClinVar aggregate classification (germline): Conflicting classifications of pathogenicity. Review status: criteria provided, conflicting classifications (1 of 4 stars). 4 submissions from 4 submitters: Uncertain significance (1); Likely benign (2). 1 of the submissions does not count toward it. Last evaluated 2022-05-24.

Conditions:
CRYM-related disorder. Also called: CRYM-related condition.

Allele frequency attached by ClinVar (database versions not stated): gnomAD 0.00008; ExAC 0.00006; ESP Exome Variant Server 0.00015; gnomAD exomes 0.00027 and 0.00004; TOPMed 0.00009.
gnomAD v4.1: 191 of 810,088 alleles (0.024%); highest among the groups gnomAD compares: Non-Finnish European, 0.035%; no homozygotes.

Submissions (4):

Labcorp Genetics (formerly Invitae), Labcorp
Classification: Likely benign. Last evaluated: 2022-05-24. Review status: criteria provided, single submitter. Criteria: Invitae Variant Classification Sherloc (09022015). Collection method: clinical testing. Allele origin: germline.

GeneDx
Classification: Likely benign. Last evaluated: 2019-04-16. Review status: criteria provided, single submitter. Criteria: GeneDx Variant Classification Process June 2021. Collection method: clinical testing. Allele origin: germline. Affected: yes.

Eurofins Ntd Llc (ga)
Classification: Uncertain significance. Last evaluated: 2016-12-05. Review status: criteria provided, single submitter. Criteria: EGL Classification Definitions 2015. Collection method: clinical testing. Allele origin: germline. Observed: 1 variant allele, 1 heterozygote.

PreventionGenetics, part of Exact Sciences
Classification: Likely benign for CRYM-related condition. Last evaluated: 2024-08-01. Review status: no assertion criteria provided. Collection method: clinical testing. Allele origin: germline. Not counted in ClinVar's aggregate classification.
Comment: This variant is classified as likely benign based on ACMG/AMP sequence variant interpretation guidelines (Richards et al. 2015 PMID: 25741868, with internal and published modifications).

NM_001376256.1(CRYM):c.474G>A (p.Gln158=)

Gene: CRYM (crystallin mu; minus strand). Cytogenetic location: 16p12.2.
Variant type: single nucleotide variant.
Coding change: c.474G>A on transcript NM_001376256.1 (MANE Select); coding-DNA position 474, G replaced by A.
Protein change: p.Gln158=; no amino-acid change (glutamine 158 retained).
Molecular consequence: synonymous variant.
Genome position (GRCh38, 1-based): chr16:21,269,805, C>T on the plus strand (G>A on the coding strand, the complement: CRYM is on the minus strand). VCF-style: chr16-21269805-C-T. GRCh37 (hg19) VCF-style: chr16-21281126-C-T.
Other names: c.474G>A, p.Gln158= (NM_001888.5).
Identifiers: ClinVar variation 498287 (VCV000498287.14), dbSNP rs371633413, ClinGen allele CA7950729.